The following is an entry in ClinVar:

NM_000218.3(KCNQ1):c.1394-5366C>T

Genes: KCNQ1 (potassium voltage-gated channel subfamily Q member 1; plus strand), KCNQ1OT1 (KCNQ1 opposite strand/antisense transcript 1; minus strand). Cytogenetic location: 11p15.5.
Variant type: single nucleotide variant.
Coding change: c.1394-5366C>T on transcript NM_000218.3 (MANE Select); 5366 bases into the intron before coding-DNA position 1394, C replaced by T.
Molecular consequence: intron variant. On other transcripts: non-coding transcript variant (1).
Genome position (GRCh38, 1-based): chr11:2,656,595, C>T. VCF-style: chr11-2656595-C-T. GRCh37 (hg19) VCF-style: chr11-2677825-C-T.
Other names: c.1124-5366C>T (NM_001406837.1); c.1298-5366C>T (NM_001406836.1); c.854-5366C>T (NM_001406838.1); c.1013-5366C>T (NM_181798.2).
Identifiers: ClinVar variation 2641440 (VCV002641440.24), dbSNP rs151160033, ClinGen allele CA216166882.

ClinVar aggregate classification (germline): Likely benign (1 of 4 stars; one submission).

Allele frequency attached by ClinVar (database versions not stated): gnomAD exomes 0.00038; gnomAD 0.00258; TOPMed 0.00325; 1000 Genomes Project 0.00339; 1000 Genomes Project 30x 0.00375.
gnomAD v4.1: 494 of 398,652 alleles (0.12%); highest among the groups gnomAD compares: African/African-American, 0.88%; 3 homozygotes.

Submission:

CeGaT Center for Human Genetics Tuebingen
Classification: Likely benign. Last evaluated: 2026-04-01. Review status: criteria provided, single submitter. Criteria: CeGaT Center For Human Genetics Tuebingen Variant Classification Criteria Version 2. Collection method: clinical testing. Allele origin: germline. Affected: yes. Observed: 8 variant alleles.
Comment: KCNQ1OT1: BS2